The following is an entry in ClinVar:

NM_001367823.1(ARHGEF18):c.1743T>G (p.Ile581Met)

Gene: ARHGEF18 (Rho/Rac guanine nucleotide exchange factor 18; plus strand). Cytogenetic location: 19p13.2.
Variant type: single nucleotide variant.
Coding change: c.1743T>G on transcript NM_001367823.1 (MANE Select); coding-DNA position 1743, T replaced by G.
Protein change: p.Ile581Met; replaces isoleucine 581 with methionine.
Molecular consequence: missense variant.
Genome position (GRCh38, 1-based): chr19:7,451,154, T>G. VCF-style: chr19-7451154-T-G. GRCh37 (hg19) VCF-style: chr19-7516040-T-G.
Other names: c.1017T>G, p.Ile339Met (NM_001130955.2); c.705T>G, p.Ile235Met (NM_001367824.1, NM_015318.4); short protein forms I339M, I581M, I235M.
Identifiers: ClinVar variation 1481119 (VCV001481119.8), dbSNP rs999877950, ClinGen allele CA304889618.

ClinVar aggregate classification (germline): Uncertain significance (1 of 4 stars; one submission).

gnomAD v4.1: 2 of 1,469,768 alleles (0.00014%); highest among the groups gnomAD compares: East Asian, 0.005%; no homozygotes.

Submission:

Labcorp Genetics (formerly Invitae), Labcorp
Classification: Uncertain significance. Last evaluated: 2022-07-06. Review status: criteria provided, single submitter. Criteria: Invitae Variant Classification Sherloc (09022015). Collection method: clinical testing. Allele origin: germline.
Comment: This sequence change replaces isoleucine, which is neutral and non-polar, with methionine, which is neutral and non-polar, at codon 393 of the ARHGEF18 protein (p.Ile393Met). In summary, the available evidence is currently insufficient to determine the role of this variant in disease. Therefore, it has been classified as a Variant of Uncertain Significance. Algorithms developed to predict the effect of missense changes on protein structure and function are either unavailable or do not agree on the potential impact of this missense change (SIFT: "Deleterious"; PolyPhen-2: "Probably Damaging"; Align-GVGD: "Class C0"). ClinVar contains an entry for this variant (Variation ID: 1481119). This variant has not been reported in the literature in individuals affected with ARHGEF18-related conditions. This variant is not present in population databases (gnomAD no frequency).